The following is an entry in ClinVar:

ClinVar aggregate classification (germline): Likely pathogenic (1 of 4 stars; one submission).

Conditions:
Ehlers-Danlos syndrome, type 4 (EDSVASC). Also called: Ehlers-Danlos syndrome vascular type; Ehlers Danlos syndrome, ecchymotic type; Ehlers Danlos syndrome, arterial type; Ehlers Danlos syndrome, Sack-Barabas type; Ehlers-Danlos Syndrome Type IV. Identifiers: Orphanet 286, MedGen C0268338, MONDO:0017314, OMIM 130050.

Submission:

Labcorp Genetics (formerly Invitae), Labcorp
Classification: Likely pathogenic for Ehlers-Danlos syndrome, type 4. Last evaluated: 2019-10-18. Review status: criteria provided, single submitter. Criteria: Invitae Variant Classification Sherloc (09022015). Collection method: clinical testing. Allele origin: germline.
Comment: In summary, the currently available evidence indicates that the variant is pathogenic, but additional data are needed to prove that conclusively. Therefore, this variant has been classified as Likely Pathogenic. Algorithms developed to predict the effect of missense changes on protein structure and function are either unavailable or do not agree on the potential impact of this missense change (SIFT: "Deleterious"; PolyPhen-2: "Not Available"; Align-GVGD: "Class C0"). This variant has been observed in individual(s) with clinical features of Ehlers Danlos syndrome, vascular type (Invitae). In at least one individual the variant was observed to be de novo. This variant is not present in population databases (ExAC no frequency). This sequence change replaces phenylalanine with leucine at codon 1456 of the COL3A1 protein (p.Phe1456Leu). The phenylalanine residue is highly conserved and there is a small physicochemical difference between phenylalanine and leucine.

NM_000090.4(COL3A1):c.4368T>A (p.Phe1456Leu)

Gene: COL3A1 (collagen type III alpha 1 chain; plus strand). Cytogenetic location: 2q32.2.
Variant type: single nucleotide variant.
Coding change: c.4368T>A on transcript NM_000090.4 (MANE Select); coding-DNA position 4368, T replaced by A.
Protein change: p.Phe1456Leu; replaces phenylalanine 1456 with leucine.
Molecular consequence: missense variant.
Genome position (GRCh38, 1-based): chr2:189,011,741, T>A. VCF-style: chr2-189011741-T-A. GRCh37 (hg19) VCF-style: chr2-189876467-T-A.
Other names: short protein forms F1456L.
Identifiers: ClinVar variation 938054 (VCV000938054.10), dbSNP rs1688732322, ClinGen allele CA349850440.